The following is an entry in ClinVar:

NM_012418.4(FSCN2):c.1301G>A (p.Gly434Asp)

Gene: FSCN2 (fascin actin-bundling protein 2, retinal; plus strand). Cytogenetic location: 17q25.3.
Variant type: single nucleotide variant.
Coding change: c.1301G>A on transcript NM_012418.4 (MANE Select); coding-DNA position 1301, G replaced by A.
Protein change: p.Gly434Asp; replaces glycine 434 with aspartic acid.
Molecular consequence: missense variant.
Genome position (GRCh38, 1-based): chr17:81,536,902, G>A. VCF-style: chr17-81536902-G-A. GRCh37 (hg19) VCF-style: chr17-79503928-G-A.
Other names: c.1373G>A, p.Gly458Asp (NM_001077182.3); short protein forms G434D, G458D.
Identifiers: ClinVar variation 964107 (VCV000964107.9), dbSNP rs1281956915, ClinGen allele CA401478472.

ClinVar aggregate classification (germline): Uncertain significance (1 of 4 stars; one submission).

Submission:

Labcorp Genetics (formerly Invitae), Labcorp
Classification: Uncertain significance. Last evaluated: 2024-12-24. Review status: criteria provided, single submitter. Criteria: Invitae Variant Classification Sherloc (09022015). Collection method: clinical testing. Allele origin: germline.
Comment: This sequence change replaces glycine, which is neutral and non-polar, with aspartic acid, which is acidic and polar, at codon 458 of the FSCN2 protein (p.Gly458Asp). This variant is not present in population databases (gnomAD no frequency). This variant has not been reported in the literature in individuals affected with FSCN2-related conditions. ClinVar contains an entry for this variant (Variation ID: 964107). An algorithm developed to predict the effect of missense changes on protein structure and function (PolyPhen-2) suggests that this variant is likely to be tolerated. In summary, the available evidence is currently insufficient to determine the role of this variant in disease. Therefore, it has been classified as a Variant of Uncertain Significance.